The following is an entry in ClinVar:

ClinVar aggregate classification (germline): Pathogenic. Review status: reviewed by expert panel (3 of 4 stars). 20 submissions from 19 submitters: Pathogenic (1). 19 of the submissions do not count toward it. Last evaluated 2013-09-05.

Conditions:
MSH6-related disorder. Also called: MSH6-Related disorders; MSH6-related condition.
Inherited MMR deficiency (Lynch syndrome).
Inherited ovarian cancer (without breast cancer).
Hereditary nonpolyposis colon cancer (HNPCC). Also called: Hereditary Nonpolyposis Colorectal Cancer Syndrome; Hereditary nonpolyposis colorectal cancer; Familial nonpolyposis colon cancer. Identifiers: Orphanet 443909, MedGen C1333990, MONDO:0018630. Disease mechanism: loss of function.
Hereditary nonpolyposis colorectal neoplasms. Identifiers: MedGen C0009405, MeSH D003123.
Hereditary cancer-predisposing syndrome. Also called: Hereditary neoplastic syndrome; Neoplastic Syndromes, Hereditary; Hereditary Cancer Syndrome; Tumor predisposition. Identifiers: Orphanet 140162, MedGen C0027672, MeSH D009386, MONDO:0015356.
Lynch syndrome. Identifiers: Orphanet 144, MedGen C4552100, MONDO:0005835. Disease mechanism: loss of function.
Lynch syndrome 5 (LYNCH5). Also called: Hereditary non-polyposis colorectal cancer, type 5; Colorectal cancer, hereditary nonpolyposis, type 5. Identifiers: Orphanet 144, MedGen C1833477, MONDO:0013710, OMIM 614350. Disease mechanism: loss of function.
Endometrial carcinoma. Also called: Endometrial carcinoma, somatic. Identifiers: MedGen C0476089, MONDO:0002447, OMIM 608089, HP:0012114.

Allele frequency attached by ClinVar (database versions not stated): gnomAD exomes below 0.00001; TOPMed below 0.00001; ESP Exome Variant Server 0.00008.

Submissions 1 to 11 of 20:

International Society for Gastrointestinal Hereditary Tumours (InSiGHT)
Classification: Pathogenic for Lynch Syndrome. Last evaluated: 2013-09-05. Review status: reviewed by expert panel. Criteria: Guidelines v1.9. Collection method: research. Allele origin: germline.
Comment: Coding sequence variation resulting in a stop codon

Classified with v1.9 guidelines

Genetics Laboratory, Great Ormond Street Hospital NHS Foundation Trust, North Thames Genomic Laboratory Hub
Classification: Pathogenic for Inherited MMR deficiency (Lynch syndrome). Last evaluated: 2026-09-07. Review status: criteria provided, single submitter. Criteria: CanVIG MMR Gene Specific V1.7. Collection method: clinical testing. Allele origin: germline. Affected: yes. Not counted in ClinVar's aggregate classification.
Comment: PM2_supporting, PVS1_very-strong, PP4_supporting

Genetics Laboratory, Great Ormond Street Hospital NHS Foundation Trust, North Thames Genomic Laboratory Hub
Classification: Pathogenic for Inherited ovarian cancer (without breast cancer). Last evaluated: 2026-07-15. Review status: criteria provided, single submitter. Criteria: CanVIG MMR Gene Specific V1.7. Collection method: clinical testing. Allele origin: germline. Affected: yes. Not counted in ClinVar's aggregate classification.
Comment: the same text as in the submission from Genetics Laboratory, Great Ormond Street Hospital NHS Foundation Trust, North Thames Genomic Laboratory Hub above.

Labcorp Genetics (formerly Invitae), Labcorp
Classification: Pathogenic for Hereditary nonpolyposis colorectal neoplasms. Last evaluated: 2026-02-02. Review status: criteria provided, single submitter. Criteria: Invitae Variant Classification Sherloc (09022015). Collection method: clinical testing. Allele origin: germline. Not counted in ClinVar's aggregate classification.
Comment: This sequence change creates a premature translational stop signal (p.Thr1284Asnfs*6) in the MSH6 gene. It is expected to result in an absent or disrupted protein product. Loss-of-function variants in MSH6 are known to be pathogenic (PMID: 18269114, 24362816). This variant is not present in population databases (gnomAD no frequency). This premature translational stop signal has been observed in individual(s) with Lynch syndrome (PMID: 22495361). Invitae Evidence Modeling of clinical and family history, age, sex, and reported ancestry of multiple individuals with this MSH6 variant has been performed. This variant is expected to be pathogenic with a positive predictive value of at least 99%. This is a validated machine learning model that incorporates the clinical features of 1,627,235 individuals referred to our laboratory for MSH6 testing. This variant is also known as c.3850_3851insATTA. ClinVar contains an entry for this variant (Variation ID: 89475). RNA analysis performed to evaluate the impact of this premature translational stop signal on mRNA splicing indicates it does not significantly alter splicing (internal data). For these reasons, this variant has been classified as Pathogenic.

Cambridge Genomics Laboratory, East Genomic Laboratory Hub, NHS Genomic Medicine Service
Classification: Pathogenic for Inherited MMR deficiency (Lynch syndrome). Last evaluated: 2025-12-04. Review status: criteria provided, single submitter. Criteria: ACGS Best Practice Guidelines for Variant Classification in Rare Disease 2020. Collection method: clinical testing. Allele origin: germline. Affected: yes. Not counted in ClinVar's aggregate classification.
Comment: PVS1,PS4,PM2_Supporting,PP4_Moderate

Ambry Genetics
Classification: Pathogenic for Hereditary cancer-predisposing syndrome. Last evaluated: 2025-09-24. Review status: criteria provided, single submitter. Criteria: Ambry Variant Classification Scheme 2023. Collection method: clinical testing. Allele origin: germline. Not counted in ClinVar's aggregate classification.
Comment: The c.3847_3850dupATTA pathogenic mutation, located in coding exon 9 of the MSH6 gene, results from a duplication of ATTA at nucleotide position 3847, causing a translational frameshift with a predicted alternate stop codon (p.T1284Nfs*6). This variant, also designated as c.3850_3851insATTA, was reported in individual(s) with features consistent with MSH6-related Lynch syndrome (Nilbert M et al. Fam. Cancer. 2009 Jan:8(1):75-83; Klarskov L et al. Am. J. Surg. Pathol. 2011 Sep;35(9):1391-9). Immunohistochemistry staining has demonstrated both intact and absent MSH6 protein in colorectal tumors in individuals with this mutation (Okkels H et al. Appl. Immunohistochem. Mol. Morphol. 2012 Oct;20(5):470-7). This variant is considered to be rare based on population cohorts in the Genome Aggregation Database (gnomAD). This alteration is expected to result in loss of function by premature protein truncation or nonsense-mediated mRNA decay. As such, this alteration is interpreted as a disease-causing mutation.

PreventionGenetics, part of Exact Sciences
Classification: Pathogenic for MSH6-related condition. Last evaluated: 2025-09-16. Review status: criteria provided, single submitter. Criteria: ACMG Guidelines, 2015. Collection method: clinical testing. Allele origin: germline. Not counted in ClinVar's aggregate classification.
Comment: The MSH6 c.3847_3850dupATTA variant is predicted to result in a frameshift and premature protein termination (p.Thr1284Asnfs*6). This variant, also described as c.3850_3851insATTA (p.Thr1284fs) in the literature, has been reported in multiple individuals with MSH6-related cancers (Baglietto et al. 2010. PubMed ID: 20028993; Okkels et al. 2012. PubMed ID: 22495361; Rosa et al. 2020. PubMed ID: 32694065; Post et al. 2021. PubMed ID: 33693762). This variant has not been reported in a large population database (gnomAD) and is classified as pathogenic by multiple laboratories in ClinVar (Variation ID: 89475). Frameshift variants in MSH6 are expected to be pathogenic. This variant is interpreted as pathogenic.

Helix
Classification: Pathogenic for Lynch syndrome 5. Last evaluated: 2025-08-18. Review status: criteria provided, single submitter. Criteria: ACMG Guidelines, 2015. Collection method: clinical testing. Allele origin: germline. Inheritance: Autosomal dominant inheritance. Not counted in ClinVar's aggregate classification.
Comment: This variant (NM_000179.3:c.3847_3850dup p.Thr1284AsnfsTer6) results in a frameshift, which creates a premature stop codon in the MSH6 gene. It is predicted to result in nonsense-mediated mRNA decay or in the production of a truncated protein, leading to loss-of-function (LOF). LOF variants in this gene are known to be deleterious (PMID: 18269114, 24362816). It is present in the gnomAD population database (PMID: 32461654) at the highest allele frequency in the European (non-Finnish) subpopulation (2/1179986 alleles, 0.000169%). This variant has been observed in individual(s) with MSH6-related cancers (PMID: 28888541, 33309985). This variant is present in ClinVar (Accession: VCV000089475.33). In conclusion, this variant has been classified as Pathogenic.

Center for Genomic Medicine, Rigshospitalet, Copenhagen University Hospital
Classification: Pathogenic. Last evaluated: 2025-03-04. Review status: criteria provided, single submitter. Criteria: ACMG Guidelines, 2015. Collection method: clinical testing. Allele origin: germline. Not counted in ClinVar's aggregate classification.

Department of Clinical Genetics, Copenhagen University Hospital, Rigshospitalet
Classification: Pathogenic for Lynch syndrome. Last evaluated: 2025-02-04. Review status: criteria provided, single submitter. Criteria: ACMG Guidelines, 2015. Collection method: clinical testing. Allele origin: germline. Not counted in ClinVar's aggregate classification.
Comment: PVS1; PM2_SUP; PP4

GeneDx
Classification: Pathogenic. Last evaluated: 2024-12-13. Review status: criteria provided, single submitter. Criteria: GeneDx Variant Classification Process June 2021. Collection method: clinical testing. Allele origin: germline. Affected: yes. Not counted in ClinVar's aggregate classification.
Comment: Frameshift variant predicted to result in protein truncation or nonsense mediated decay in a gene for which loss of function is a known mechanism of disease; Truncating variants in this gene are considered pathogenic by a well-established clinical consortium and/or database; Not observed at significant frequency in large population cohorts (gnomAD); Observed in individuals with a personal or family history of Lynch syndrome or ovarian cancer (PMID: 18566915, 22495361, 28888541); This variant is associated with the following publications: (PMID: 18566915, 22495361, 21836479, 28888541, 33309985)

NM_000179.3(MSH6):c.3847_3850dup (p.Thr1284fs)

Gene: MSH6 (mutS homolog 6; plus strand). Cytogenetic location: 2p16.3.
Variant type: Duplication.
Coding change: c.3847_3850dup on transcript NM_000179.3 (MANE Select); coding-DNA positions 3847 to 3850, 4 bases duplicated (ATTA; older notation c.3847_3850dupATTA).
Protein change: p.Thr1284fs; shifts the reading frame from threonine 1284.
Molecular consequence: frameshift variant.
Genome position (GRCh38, 1-based): chr2:47,806,497-47,806,500, ATTA duplicated. VCF-style (leftmost placement, unchanged base first): chr2-47806496-T-TATTA. GRCh37 (hg19) VCF-style: chr2-48033635-T-TATTA.
Other names: c.3847_3850dupATTA (NM_000179.2, NM_000179.3); c.3457_3460dup, p.Thr1154fs (NM_001281492.2); c.2941_2944dup, p.Thr982fs (NM_001281493.2, NM_001281494.2); short protein forms T1154fs, T982fs, T1284fs.
Identifiers: ClinVar variation 89475 (VCV000089475.40), dbSNP rs267608128, ClinGen allele CA014566.